The following is an entry in ClinVar:

NM_004006.3(DMD):c.1982G>T (p.Ser661Ile)

Gene: DMD (dystrophin; minus strand). Cytogenetic location: Xp21.1.
Variant type: single nucleotide variant.
Coding change: c.1982G>T on transcript NM_004006.3 (MANE Select); coding-DNA position 1982, G replaced by T.
Protein change: p.Ser661Ile; replaces serine 661 with isoleucine.
Molecular consequence: missense variant.
Genome position (GRCh38, 1-based): chrX:32,565,712, C>A on the plus strand (G>T on the coding strand, the complement: DMD is on the minus strand). VCF-style: chrX-32565712-C-A. GRCh37 (hg19) VCF-style: chrX-32583829-C-A.
Other names: c.1958G>T, p.Ser653Ile (NM_000109.4); c.1970G>T, p.Ser657Ile (NM_004009.3); c.1613G>T, p.Ser538Ile (NM_004010.3); short protein forms S538I, S661I, S653I, S657I.
Identifiers: ClinVar variation 1436987 (VCV001436987.6), dbSNP rs2149094479, ClinGen allele CA412672180.

ClinVar aggregate classification (germline): Uncertain significance (1 of 4 stars; one submission).

Conditions:
Duchenne muscular dystrophy (DMD). Also called: Duchenne Muscular Dystrophy (DMD); MUSCULAR DYSTROPHY, PSEUDOHYPERTROPHIC PROGRESSIVE, DUCHENNE TYPE. Identifiers: Orphanet 98896, MedGen C0013264, MONDO:0010679, OMIM 310200.

Submission:

Labcorp Genetics (formerly Invitae), Labcorp
Classification: Uncertain significance for Duchenne muscular dystrophy. Last evaluated: 2022-01-03. Review status: criteria provided, single submitter. Criteria: Invitae Variant Classification Sherloc (09022015). Collection method: clinical testing. Allele origin: germline.
Comment: Algorithms developed to predict the effect of missense changes on protein structure and function are either unavailable or do not agree on the potential impact of this missense change (SIFT: "Tolerated"; PolyPhen-2: "Possibly Damaging"; Align-GVGD: "Class C15"). In summary, the available evidence is currently insufficient to determine the role of this variant in disease. Therefore, it has been classified as a Variant of Uncertain Significance. This variant has not been reported in the literature in individuals affected with DMD-related conditions. This sequence change replaces serine, which is neutral and polar, with isoleucine, which is neutral and non-polar, at codon 661 of the DMD protein (p.Ser661Ile). This variant is not present in population databases (gnomAD no frequency).